The following is an entry in ClinVar:

NM_001378120.1(MBD5):c.4276T>G (p.Ser1426Ala)

Gene: MBD5 (methyl-CpG binding domain protein 5; plus strand). Cytogenetic location: 2q23.1.
Variant type: single nucleotide variant.
Coding change: c.4276T>G on transcript NM_001378120.1 (MANE Select); coding-DNA position 4276, T replaced by G.
Protein change: p.Ser1426Ala; replaces serine 1426 with alanine.
Molecular consequence: missense variant.
Genome position (GRCh38, 1-based): chr2:148,489,908, T>G. VCF-style: chr2-148489908-T-G. GRCh37 (hg19) VCF-style: chr2-149247477-T-G.
Other names: c.3577T>G, p.Ser1193Ala (NM_018328.5); short protein forms S1193A, S1426A.
Identifiers: ClinVar variation 1010398 (VCV001010398.9), dbSNP rs1681466995, ClinGen allele CA348728437.

ClinVar aggregate classification (germline): Uncertain significance (1 of 4 stars; one submission).

Conditions:
Intellectual developmental disorder, autosomal dominant 1. Also called: Intellectual disability, autosomal dominant 1; MBD5 Haploinsufficiency. Identifiers: Orphanet 228402, MedGen C1969562, MONDO:0007974, OMIM 156200.

Submission:

Labcorp Genetics (formerly Invitae), Labcorp
Classification: Uncertain significance for Intellectual developmental disorder, autosomal dominant 1. Last evaluated: 2024-08-13. Review status: criteria provided, single submitter. Criteria: Invitae Variant Classification Sherloc (09022015). Collection method: clinical testing. Allele origin: germline.
Comment: This sequence change replaces serine, which is neutral and polar, with alanine, which is neutral and non-polar, at codon 1193 of the MBD5 protein (p.Ser1193Ala). This variant is not present in population databases (gnomAD no frequency). This variant has not been reported in the literature in individuals affected with MBD5-related conditions. ClinVar contains an entry for this variant (Variation ID: 1010398). Experimental studies and prediction algorithms are not available or were not evaluated, and the functional significance of this variant is currently unknown. In summary, the available evidence is currently insufficient to determine the role of this variant in disease. Therefore, it has been classified as a Variant of Uncertain Significance.